The following is an entry in ClinVar:

ClinVar aggregate classification (germline): Uncertain significance. Review status: criteria provided, single submitter (1 of 4 stars). 2 submissions from 2 submitters: Uncertain significance (1). 1 of the submissions does not count toward it. Last evaluated 2026-01-13.

Conditions:
Nemaline myopathy 2 (NEM2). Also called: Nemaline myopathy 2, autosomal recessive. Identifiers: MedGen C1850569, MONDO:0009725, OMIM 256030.

gnomAD v4.1: 6 of 1,611,442 alleles (0.00037%); highest among the groups gnomAD compares: East Asian, 0.0022%; no homozygotes.

Submissions (2):

Women's Health and Genetics/Laboratory Corporation of America, LabCorp
Classification: Uncertain significance. Last evaluated: 2026-01-13. Review status: criteria provided, single submitter. Criteria: LabCorp Variant Classification Summary - May 2015. Collection method: clinical testing. Allele origin: germline.
Comment: Variant summary: NEB c.23918G>A (p.Arg7973His) results in a non-conservative amino acid change in the encoded protein sequence. Algorithms developed to predict the effect of missense changes on protein structure and function are either unavailable or do not agree on the potential impact of this missense change. The variant allele was found at a frequency of 8e-06 in 248856 control chromosomes. The available data on variant occurrences in the general population are insufficient to allow any conclusion about variant significance. To our knowledge, no occurrence of c.23918G>A in individuals affected with NEB-related conditions and no experimental evidence demonstrating its impact on protein function have been reported. ClinVar contains an entry for this variant (Variation ID: 4058517). Based on the evidence outlined above, the variant was classified as uncertain significance.

Natera, Inc.
Classification: Uncertain significance for Nemaline myopathy type 2. Last evaluated: 2025-04-16. Review status: no assertion criteria provided. Collection method: clinical testing. Allele origin: germline. Not counted in ClinVar's aggregate classification.

NM_001164508.2(NEB):c.23813G>A (p.Arg7938His)

Genes: NEB (nebulin; minus strand), RIF1 (replication timing regulatory factor 1; plus strand). Cytogenetic location: 2q23.3.
Variant type: single nucleotide variant.
Coding change: c.23813G>A on transcript NM_001164508.2 (MANE Select); coding-DNA position 23813, G replaced by A.
Protein change: p.Arg7938His; replaces arginine 7938 with histidine.
Molecular consequence: missense variant.
Genome position (GRCh38, 1-based): chr2:151,503,371, C>T on the plus strand (G>A on the coding strand, the complement: NEB is on the minus strand). VCF-style: chr2-151503371-C-T. GRCh37 (hg19) VCF-style: chr2-152359885-C-T.
Other names: c.23813G>A, p.Arg7938His (NM_001164507.2); c.23918G>A, p.Arg7973His (NM_001271208.2); c.18710G>A, p.Arg6237His (NM_004543.5); short protein forms R6237H, R7938H, R7973H.
Identifiers: ClinVar variation 4058517 (VCV004058517.2).